The following is an entry in ClinVar:

NM_014244.5(ADAMTS2):c.1909G>A (p.Gly637Ser)

Gene: ADAMTS2 (ADAM metallopeptidase with thrombospondin type 1 motif 2; minus strand). Cytogenetic location: 5q35.3.
Variant type: single nucleotide variant.
Coding change: c.1909G>A on transcript NM_014244.5 (MANE Select); coding-DNA position 1909, G replaced by A.
Protein change: p.Gly637Ser; replaces glycine 637 with serine.
Molecular consequence: missense variant.
Genome position (GRCh38, 1-based): chr5:179,137,811, C>T on the plus strand (G>A on the coding strand, the complement: ADAMTS2 is on the minus strand). VCF-style: chr5-179137811-C-T. GRCh37 (hg19) VCF-style: chr5-178564812-C-T.
Other names: p.Gly637Ser; short protein forms G637S.
Identifiers: ClinVar variation 650462 (VCV000650462.10), dbSNP rs201864255, ClinGen allele CA3595748.

ClinVar aggregate classification (germline): Uncertain significance. Review status: criteria provided, multiple submitters, no conflicts (2 of 4 stars). 4 submissions from 4 submitters: Uncertain significance (3). 1 of the submissions does not count toward it. Last evaluated 2025-05-27.

Conditions:
Ehlers-Danlos syndrome, dermatosparaxis type. Also called: Dermatosparaxis; Ehlers-Danlos syndrome, type VII, autosomal recessive; EDS VIIC. Identifiers: Orphanet 1901, MedGen C2700425, MONDO:0009161, OMIM 225410.

Allele frequency attached by ClinVar (database versions not stated): TOPMed 0.00006; gnomAD exomes 0.00007 and 0.00010; ESP Exome Variant Server 0.00008; gnomAD 0.00010 and 0.00011; ExAC 0.00011; 1000 Genomes Project 0.00020; 1000 Genomes Project 30x 0.00031.
gnomAD v4.1: 156 of 1,580,506 alleles (0.0099%); highest among the groups gnomAD compares: African/African-American, 0.013%; no homozygotes.

Submissions (4):

GeneDx
Classification: Uncertain significance. Last evaluated: 2025-05-27. Review status: criteria provided, single submitter. Criteria: GeneDx Variant Classification Process June 2021. Collection method: clinical testing. Allele origin: germline. Affected: yes.
Comment: Not observed at significant frequency in large population cohorts (gnomAD); In silico analysis suggests that this missense variant does not alter protein structure/function; Has not been previously published as pathogenic or benign to our knowledge

Mayo Clinic Laboratories, Mayo Clinic
Classification: Uncertain significance. Last evaluated: 2024-03-27. Review status: criteria provided, single submitter. Criteria: ACMG Guidelines, 2015. Collection method: clinical testing. Allele origin: germline. Observed: 1 variant allele.
Comment: BP4

Labcorp Genetics (formerly Invitae), Labcorp
Classification: Uncertain significance for Ehlers-Danlos syndrome, dermatosparaxis type. Last evaluated: 2022-08-23. Review status: criteria provided, single submitter. Criteria: Invitae Variant Classification Sherloc (09022015). Collection method: clinical testing. Allele origin: germline.
Comment: This sequence change replaces glycine, which is neutral and non-polar, with serine, which is neutral and polar, at codon 637 of the ADAMTS2 protein (p.Gly637Ser). This variant is present in population databases (rs201864255, gnomAD 0.01%). This variant has not been reported in the literature in individuals affected with ADAMTS2-related conditions. ClinVar contains an entry for this variant (Variation ID: 650462). Algorithms developed to predict the effect of missense changes on protein structure and function (SIFT, PolyPhen-2, Align-GVGD) all suggest that this variant is likely to be tolerated. Algorithms developed to predict the effect of sequence changes on RNA splicing suggest that this variant may create or strengthen a splice site. In summary, the available evidence is currently insufficient to determine the role of this variant in disease. Therefore, it has been classified as a Variant of Uncertain Significance.

Natera, Inc.
Classification: Uncertain significance for Ehlers-Danlos syndrome type VIIC. Last evaluated: 2020-09-16. Review status: no assertion criteria provided. Collection method: clinical testing. Allele origin: germline. Not counted in ClinVar's aggregate classification.